The following is an entry in ClinVar:

NM_130384.3(ATRIP):c.89dup (p.Ser31fs)

Genes: ATRIP (ATR interacting protein; plus strand), ATRIP-TREX1 (ATRIP-TREX1 readthrough; plus strand), LOC129936703 (ATAC-STARR-seq lymphoblastoid silent region 14331; plus strand). Cytogenetic location: 3p21.31.
Variant type: Duplication.
Coding change: c.89dup on transcript NM_130384.3 (MANE Select); coding-DNA position 89, one base duplicated (C; older notation c.89dupC).
Protein change: p.Ser31fs; shifts the reading frame from serine 31.
Molecular consequence: frameshift variant. On other transcripts: non-coding transcript variant (1), intron variant (1).
Genome position (GRCh38, 1-based): chr3:48,446,934, C duplicated; the last of 6 consecutive C bases (chr3:48,446,929-48,446,934); duplicating any one gives the same sequence. VCF-style (leftmost placement, unchanged base first): chr3-48446928-A-AC. GRCh37 (hg19) VCF-style: chr3-48488332-A-AC.
Other names: c.89dupC (NM_130384.1); c.89dup, p.Ser31fs (NM_032166.4); c.-218+135dup (NM_001271022.2); short protein forms S31fs.
Identifiers: ClinVar variation 1924235 (VCV001924235.5), dbSNP rs1383994228, ClinGen allele CA543044956.

ClinVar aggregate classification (germline): Uncertain significance. Review status: criteria provided, multiple submitters, no conflicts (2 of 4 stars). 2 submissions from 2 submitters: Uncertain significance (2). Last evaluated 2026-03-13.

Submissions (2):

Ambry Genetics
Classification: Uncertain significance. Last evaluated: 2026-03-13. Review status: criteria provided, single submitter. Criteria: Ambry Variant Classification Scheme 2023. Collection method: clinical testing. Allele origin: germline.
Comment: The c.89dupC variant, located in coding exon 1 of the ATRIP gene, results from a duplication of C at nucleotide position 89, causing a translational frameshift with a predicted alternate stop codon (p.S31Efs*16). The evidence for this gene-disease relationship is limited; therefore, the clinical significance of this variant is unclear.

Labcorp Genetics (formerly Invitae), Labcorp
Classification: Uncertain significance. Last evaluated: 2022-07-17. Review status: criteria provided, single submitter. Criteria: Invitae Variant Classification Sherloc (09022015). Collection method: clinical testing. Allele origin: germline.
Comment: This sequence change creates a premature translational stop signal (p.Ser31Glufs*16) in the ATRIP gene. It is expected to result in an absent or disrupted protein product. However, the current clinical and genetic evidence is not sufficient to establish whether loss-of-function variants in ATRIP cause disease. This variant is present in population databases (no rsID available, gnomAD 0.002%). This variant has not been reported in the literature in individuals affected with ATRIP-related conditions. In summary, the available evidence is currently insufficient to determine the role of this variant in disease. Therefore, it has been classified as a Variant of Uncertain Significance.